The following is an entry in ClinVar:

ClinVar aggregate classification (germline): Uncertain significance. Review status: criteria provided, multiple submitters, no conflicts (2 of 4 stars). 3 submissions from 3 submitters: Uncertain significance (3). Last evaluated 2024-09-06.

Conditions:
Familial thoracic aortic aneurysm and aortic dissection (TAAD). Also called: Thoracic aortic aneurysms and dissections. Identifiers: Orphanet 91387, MedGen C4707243, MONDO:0019625.
Aortic aneurysm, familial thoracic 4 (AAT4). Also called: AORTIC ANEURYSM/AORTIC DISSECTION AND PATENT DUCTUS ARTERIOSUS. Identifiers: MedGen C1851504, MONDO:0007568, OMIM 132900.

Allele frequency attached by ClinVar (database versions not stated): gnomAD exomes below 0.00001 and 0.00001; ExAC 0.00002.
gnomAD v4.1: 5 of 1,614,040 alleles (0.00031%); highest among the groups gnomAD compares: Non-Finnish European, 0.00042%; no homozygotes.

Submissions (3):

Centre of Medical Genetics, University of Antwerp
Classification: Uncertain significance for Familial thoracic aortic aneurysm and aortic dissection. Last evaluated: 2024-09-06. Review status: criteria provided, single submitter. Criteria: ACMG Guidelines, 2015. Collection method: clinical testing. Allele origin: germline. Affected: yes.

All of Us Research Program, National Institutes of Health
Classification: Uncertain significance for Familial thoracic aortic aneurysm and aortic dissection. Last evaluated: 2023-04-27. Review status: criteria provided, single submitter. Criteria: ACMG Guidelines, 2015. Collection method: clinical testing. Allele origin: germline. Inheritance: Autosomal dominant inheritance. Observed: 1 variant allele, 1 heterozygote.
Comment: This study involves interpretation of variants in research participants for the purpose of population health screening. Participant phenotype was not available at the time of variant classification. Additional details can be found in publication PMID: 35346344, PMCID: PMC8962531

Labcorp Genetics (formerly Invitae), Labcorp
Classification: Uncertain significance for Aortic aneurysm, familial thoracic 4. Last evaluated: 2018-05-10. Review status: criteria provided, single submitter. Criteria: Invitae Variant Classification Sherloc (09022015). Collection method: clinical testing. Allele origin: germline.
Comment: In summary, the available evidence is currently insufficient to determine the role of this variant in disease. Therefore, it has been classified as a Variant of Uncertain Significance. Algorithms developed to predict the effect of missense changes on protein structure and function do not agree on the potential impact of this missense change (SIFT: "Deleterious"; PolyPhen-2: "Benign"; Align-GVGD: "Class C0"). This variant has been reported in an individual affected with an aortic aneurysm (PMID: 28074631). This variant is present in population databases (rs774646317, ExAC 0.003%). This sequence change replaces aspartic acid with asparagine at codon 330 of the MYH11 protein (p.Asp330Asn). The aspartic acid residue is highly conserved and there is a small physicochemical difference between aspartic acid and asparagine.

Literature cited by the submitters: PubMed 28074631 (cited by Labcorp Genetics (formerly Invitae), Labcorp).

NM_002474.3(MYH11):c.967G>A (p.Asp323Asn)

Gene: MYH11 (myosin heavy chain 11; minus strand). Cytogenetic location: 16p13.11.
Variant type: single nucleotide variant.
Coding change: c.967G>A on transcript NM_002474.3 (MANE Select); coding-DNA position 967, G replaced by A.
Protein change: p.Asp323Asn; replaces aspartic acid 323 with asparagine.
Molecular consequence: missense variant.
Genome position (GRCh38, 1-based): chr16:15,771,635, C>T on the plus strand (G>A on the coding strand, the complement: MYH11 is on the minus strand). VCF-style: chr16-15771635-C-T. GRCh37 (hg19) VCF-style: chr16-15865492-C-T.
Other names: c.988G>A, p.Asp330Asn (NM_001040113.2, NM_001040114.2); c.967G>A, p.Asp323Asn (NM_022844.3); short protein forms D330N, D323N.
Identifiers: ClinVar variation 568515 (VCV000568515.10), dbSNP rs774646317, ClinGen allele CA7922765.